The following is an entry in ClinVar:

ClinVar aggregate classification (germline): Uncertain significance (1 of 4 stars; one submission).

Submission:

Labcorp Genetics (formerly Invitae), Labcorp
Classification: Uncertain significance. Last evaluated: 2022-06-25. Review status: criteria provided, single submitter. Criteria: Invitae Variant Classification Sherloc (09022015). Collection method: clinical testing. Allele origin: germline.
Comment: Algorithms developed to predict the effect of missense changes on protein structure and function output the following: SIFT: "Tolerated"; PolyPhen-2: "Benign"; Align-GVGD: "Class C0". The lysine amino acid residue is found in multiple mammalian species, which suggests that this missense change does not adversely affect protein function. In summary, the available evidence is currently insufficient to determine the role of this variant in disease. Therefore, it has been classified as a Variant of Uncertain Significance. This variant has not been reported in the literature in individuals affected with C3-related conditions. This sequence change replaces glutamic acid, which is acidic and polar, with lysine, which is basic and polar, at codon 859 of the C3 protein (p.Glu859Lys). This variant is not present in population databases (gnomAD no frequency).

NM_000064.4(C3):c.2575G>A (p.Glu859Lys)

Gene: C3 (complement C3; minus strand). Cytogenetic location: 19p13.3.
Variant type: single nucleotide variant.
Coding change: c.2575G>A on transcript NM_000064.4 (MANE Select); coding-DNA position 2575, G replaced by A.
Protein change: p.Glu859Lys; replaces glutamic acid 859 with lysine.
Molecular consequence: missense variant.
Genome position (GRCh38, 1-based): chr19:6,697,660, C>T on the plus strand (G>A on the coding strand, the complement: C3 is on the minus strand). VCF-style: chr19-6697660-C-T. GRCh37 (hg19) VCF-style: chr19-6697671-C-T.
Other names: short protein forms E859K.
Identifiers: ClinVar variation 2010723 (VCV002010723.4), dbSNP rs2512247989, ClinGen allele CA403633705.